The following is an entry in ClinVar:

NM_031942.5(CDCA7):c.418C>A (p.Arg140Ser)

Gene: CDCA7 (cell division cycle associated 7; plus strand). Cytogenetic location: 2q31.1.
Variant type: single nucleotide variant.
Coding change: c.418C>A on transcript NM_031942.5 (MANE Select); coding-DNA position 418, C replaced by A.
Protein change: p.Arg140Ser; replaces arginine 140 with serine.
Molecular consequence: missense variant.
Genome position (GRCh38, 1-based): chr2:173,363,259, C>A. VCF-style: chr2-173363259-C-A. GRCh37 (hg19) VCF-style: chr2-174227987-C-A.
Other names: c.181C>A, p.Arg61Ser (NM_145810.3); short protein forms R140S, R61S.
Identifiers: ClinVar variation 1442167 (VCV001442167.6), dbSNP rs540443413, ClinGen allele CA1971236.

ClinVar aggregate classification (germline): Uncertain significance (1 of 4 stars; one submission).

Allele frequency attached by ClinVar (database versions not stated): gnomAD exomes below 0.00001; TOPMed below 0.00001; gnomAD 0.00001; ExAC 0.00003; 1000 Genomes Project 30x 0.00016; 1000 Genomes Project 0.00020.
gnomAD v4.1: 1 of 1,614,100 alleles (0.000062%); highest among the groups gnomAD compares: Admixed American, 0.0017%; no homozygotes.

Submission:

Labcorp Genetics (formerly Invitae), Labcorp
Classification: Uncertain significance. Last evaluated: 2021-08-24. Review status: criteria provided, single submitter. Criteria: Invitae Variant Classification Sherloc (09022015). Collection method: clinical testing. Allele origin: germline.
Comment: In summary, the available evidence is currently insufficient to determine the role of this variant in disease. Therefore, it has been classified as a Variant of Uncertain Significance. Algorithms developed to predict the effect of missense changes on protein structure and function (SIFT, PolyPhen-2, Align-GVGD) all suggest that this variant is likely to be tolerated. This variant has not been reported in the literature in individuals affected with CDCA7-related conditions. This variant is present in population databases (rs540443413, ExAC 0.01%). This sequence change replaces arginine with serine at codon 140 of the CDCA7 protein (p.Arg140Ser). The arginine residue is highly conserved and there is a moderate physicochemical difference between arginine and serine.